The following is an entry in ClinVar:

NM_001347721.2(DYRK1A):c.638-1G>A

Gene: DYRK1A (dual specificity tyrosine phosphorylation regulated kinase 1A; plus strand). Cytogenetic location: 21q22.13.
Variant type: single nucleotide variant.
Coding change: c.638-1G>A on transcript NM_001347721.2 (MANE Select); the canonical splice acceptor site of the intron before coding-DNA position 638, G replaced by A.
Molecular consequence: splice acceptor variant.
Genome position (GRCh38, 1-based): chr21:37,490,174, G>A. VCF-style: chr21-37490174-G-A. GRCh37 (hg19) VCF-style: chr21-38862476-G-A.
Other names: c.665-1G>A (NM_001396.5, NM_101395.2, NM_130438.2); c.638-1G>A (NM_001347722.2, NM_130436.2); c.551-1G>A (NM_001347723.2).
Identifiers: ClinVar variation 1685756 (VCV001685756.3), dbSNP rs2148612254, ClinGen allele CA409947076.
Genomic context (GRCh38, chr21:37,490,174, plus strand): 5'-TGTTTGTTACTCTCAGTTTATTGGTATATATAATTTAAAATGAAACTGTTTTCTCTTTCA[G>A]TGCATTTGAAACGCCACTTTATGTTTCGAAACCATCTCTGTTTAGTTTTTGAAATGCTGT-3'

ClinVar aggregate classification (germline): Pathogenic/Likely pathogenic. Review status: criteria provided, multiple submitters, no conflicts (2 of 4 stars). 2 submissions from 2 submitters: Pathogenic (1); Likely pathogenic (1). Last evaluated 2024-12-23.

Conditions:
DYRK1A-related intellectual disability syndrome (MRD7). Also called: DYRK1A Syndrome; Intellectual developmental disorder, autosomal dominant 7. Identifiers: Orphanet 464306, MedGen C5568143, MONDO:0013578, OMIM 614104.

Submissions (2):

Dasa
Classification: Likely pathogenic. Last evaluated: 2024-12-23. Review status: criteria provided, single submitter. Criteria: DASA Assertion Criteria. Collection method: clinical testing. Allele origin: germline.
Comment: NM_001347721.2(DYRK1A):c.638-1G>A affects a canonical splice site and is predicted to disrupt normal RNA splicing. Loss of function is an established disease mechanism for DYRK1A (PMID: 22495309; PMID: 21294719; PMID: 25944381). This variant affects a canonical splice-site context with prior evidence supporting clinical relevance. Also, this variant is absent from population databases. Based on the currently available evidence, this variant is classified as likely pathogenic.

Mendelics
Classification: Pathogenic for DYRK1A-related intellectual disability syndrome. Last evaluated: 2022-05-04. Review status: criteria provided, single submitter. Criteria: Mendelics Assertion Criteria 2019. Collection method: clinical testing. Allele origin: germline.

Literature cited by the submitters: PubMed 22495309 (cited by Dasa); PubMed 21294719 (cited by Dasa); PubMed 25944381 (cited by Dasa).